The following is an entry in ClinVar:

NM_203447.4(DOCK8):c.218A>G (p.Asn73Ser)

Genes: DOCK8 (dedicator of cytokinesis 8; plus strand), LOC126860552 (BRD4-independent group 4 enhancer GRCh37_chr9:285795-286994; plus strand). Cytogenetic location: 9p24.3.
Variant type: single nucleotide variant.
Coding change: c.218A>G on transcript NM_203447.4 (MANE Select); coding-DNA position 218, A replaced by G.
Protein change: p.Asn73Ser; replaces asparagine 73 with serine.
Molecular consequence: missense variant.
Genome position (GRCh38, 1-based): chr9:286,522, A>G. VCF-style: chr9-286522-A-G. GRCh37 (hg19) VCF-style: chr9-286522-A-G.
Other names: c.14A>G, p.Asn5Ser (NM_001190458.2, NM_001193536.2); short protein forms N73S, N5S.
Identifiers: ClinVar variation 366536 (VCV000366536.7), dbSNP rs886063849, ClinGen allele CA10627201.
Genomic context (GRCh38, chr9:286,522, plus strand): 5'-CTCAGTTTTATGACCCTGTGGAGCCAGTGGACTTTGAAGGACTTCTGATGACACACCTGA[A>G]CAGCCTGGATGTGCAGCTTGCCCAGGAGCTCGGGGACTTCACTGATGACGACTTGGACGT-3'
Protein context (NP_982272.2, residues 63-83): DFEGLLMTHL[Asn73Ser]SLDVQLAQEL

ClinVar aggregate classification (germline): Uncertain significance. Review status: criteria provided, multiple submitters, no conflicts (2 of 4 stars). 3 submissions from 3 submitters: Uncertain significance (3). Last evaluated 2025-11-03.

Conditions:
Combined immunodeficiency due to DOCK8 deficiency (HIES2). Also called: HIES autosomal recessive; Hyper-IgE recurrent infection syndrome, autosomal recessive; HYPER-IgE RECURRENT INFECTION SYNDROME 2, AUTOSOMAL RECESSIVE; HYPER-IgE SYNDROME 2, AUTOSOMAL RECESSIVE, WITH RECURRENT INFECTIONS; DOCK8 Deficiency. Identifiers: Orphanet 217390, MedGen C4722305, MONDO:0009478, OMIM 243700.
Hyper-IgE recurrent infection syndrome 3, autosomal recessive. Also called: HYPER-IgE SYNDROME 3, AUTOSOMAL RECESSIVE, WITH RECURRENT INFECTIONS; Autosomal recessive hyper-IgE syndrome due to ZNF341 deficiency. Identifiers: Orphanet 641368, MedGen C4748969, MONDO:0032654, OMIM 618282.
Inborn genetic diseases. Identifiers: MedGen C0950123, MeSH D030342.

Allele frequency attached by ClinVar (database versions not stated): gnomAD exomes below 0.00001.
gnomAD v4.1: 5 of 1,614,008 alleles (0.00031%); highest among the groups gnomAD compares: Non-Finnish European, 0.00042%; no homozygotes.

Submissions (3):

Ambry Genetics
Classification: Uncertain significance for Inborn genetic diseases. Last evaluated: 2025-11-03. Review status: criteria provided, single submitter. Criteria: Ambry Variant Classification Scheme 2023. Collection method: clinical testing. Allele origin: germline.

Labcorp Genetics (formerly Invitae), Labcorp
Classification: Uncertain significance for Combined immunodeficiency due to DOCK8 deficiency. Last evaluated: 2023-08-09. Review status: criteria provided, single submitter. Criteria: Invitae Variant Classification Sherloc (09022015). Collection method: clinical testing. Allele origin: germline.
Comment: In summary, the available evidence is currently insufficient to determine the role of this variant in disease. Therefore, it has been classified as a Variant of Uncertain Significance. Advanced modeling of protein sequence and biophysical properties (such as structural, functional, and spatial information, amino acid conservation, physicochemical variation, residue mobility, and thermodynamic stability) performed at Invitae indicates that this missense variant is not expected to disrupt DOCK8 protein function. ClinVar contains an entry for this variant (Variation ID: 366536). This variant has not been reported in the literature in individuals affected with DOCK8-related conditions. This variant is not present in population databases (gnomAD no frequency). This sequence change replaces asparagine, which is neutral and polar, with serine, which is neutral and polar, at codon 73 of the DOCK8 protein (p.Asn73Ser).

Illumina Laboratory Services, Illumina
Classification: Uncertain significance for Combined immunodeficiency due to DOCK8 deficiency. Last evaluated: 2018-01-12. Review status: criteria provided, single submitter. Criteria: ICSL Variant Classification Criteria 13 December 2019. Collection method: clinical testing. Allele origin: germline.